The following is an entry in ClinVar:

ClinVar aggregate classification (germline): Uncertain significance (1 of 4 stars; one submission).

Conditions:
Malignant hyperthermia, susceptibility to, 1 (MHS1). Also called: RYR1-Related Malignant Hyperthermia Susceptibility; Anesthesia related hyperthermia; Malignant hyperpyrexia; Fulminating hyperpyrexia; Pharmacogenic myopathy; Malignant hyperthermia suceptibility 1. Identifiers: Orphanet 423, MedGen C2930980, MONDO:0007783, OMIM 145600.

Allele frequency attached by ClinVar (database versions not stated): gnomAD exomes below 0.00001.
gnomAD v4.1: 1 of 1,577,984 alleles (0.000063%); highest among the groups gnomAD compares: South Asian, 0.0012%; no homozygotes.

Submission:

All of Us Research Program, National Institutes of Health
Classification: Uncertain significance for Malignant hyperthermia, susceptibility to, 1. Last evaluated: 2023-03-23. Review status: criteria provided, single submitter. Criteria: ACMG Guidelines, 2015. Collection method: clinical testing. Allele origin: germline. Inheritance: Autosomal dominant inheritance. Observed: 1 variant allele, 1 heterozygote.
Comment: This missense variant replaces valine with methionine at codon 1614 of the RYR1 protein. Computational prediction suggests that this variant may have deleterious impact on protein structure and function (internally defined REVEL score threshold >= 0.7, PMID: 27666373). To our knowledge, functional studies have not been reported for this variant. This variant has not been reported in individuals affected with RYR1-related disorders in the literature. This variant has been identified in 1/192948 chromosomes in the general population by the Genome Aggregation Database (gnomAD). The available evidence is insufficient to determine the role of this variant in disease conclusively. Therefore, this variant is classified as a Variant of Uncertain Significance.

This study involves interpretation of variants in research participants for the purpose of population health screening. Participant phenotype was not available at the time of variant classification. Additional details can be found in publication PMID: 35346344, PMCID: PMC8962531

NM_000540.3(RYR1):c.4840G>A (p.Val1614Met)

Gene: RYR1 (ryanodine receptor 1; plus strand). Cytogenetic location: 19q13.2.
Variant type: single nucleotide variant.
Coding change: c.4840G>A on transcript NM_000540.3 (MANE Select); coding-DNA position 4840, G replaced by A.
Protein change: p.Val1614Met; replaces valine 1614 with methionine.
Molecular consequence: missense variant.
Genome position (GRCh38, 1-based): chr19:38,483,422, G>A. VCF-style: chr19-38483422-G-A. GRCh37 (hg19) VCF-style: chr19-38974062-G-A.
Other names: c.4840G>A, p.Val1614Met (NM_001042723.2); short protein forms V1614M.
Identifiers: ClinVar variation 3069919 (VCV003069919.1), dbSNP rs1382315890, ClinGen allele CA405650617.